The following is an entry in ClinVar:

ClinVar aggregate classification (germline): Benign/Likely benign. Review status: criteria provided, multiple submitters, no conflicts (2 of 4 stars). 2 submissions from 2 submitters: Benign (1); Likely benign (1). Last evaluated 2025-08-13.

Conditions:
Melanoma-pancreatic cancer syndrome. Identifiers: Orphanet 404560, MedGen C1838547, MONDO:0011713, OMIM 606719. Disease mechanism: loss of function.
Familial melanoma. Also called: Hereditary melanoma; Hereditary cutaneous melanoma. Identifiers: Orphanet 618, MedGen C1512419, MONDO:0018961.

gnomAD v4.1: 2 of 1,612,410 alleles (0.00012%); highest among the groups gnomAD compares: Non-Finnish European, 0.00017%; no homozygotes.

Submissions (2):

Myriad Genetics, Inc.
Classification: Benign for Melanoma-pancreatic cancer syndrome. Last evaluated: 2025-08-13. Review status: criteria provided, single submitter. Criteria: Myriad Autosomal Dominant, Autosomal Recessive and X-Linked Classification Criteria (2023). Collection method: clinical testing. Allele origin: unknown.
Comment: This variant is considered benign. This variant is a silent/synonymous amino acid change and it is not expected to impact splicing.

Labcorp Genetics (formerly Invitae), Labcorp
Classification: Likely benign for Familial melanoma. Last evaluated: 2024-05-01. Review status: criteria provided, single submitter. Criteria: Invitae Variant Classification Sherloc (09022015). Collection method: clinical testing. Allele origin: germline.

NM_000077.5(CDKN2A):c.93G>A (p.Leu31=)

Gene: CDKN2A (cyclin dependent kinase inhibitor 2A; minus strand). Cytogenetic location: 9p21.3.
Variant type: single nucleotide variant.
Coding change: c.93G>A on transcript NM_000077.5; coding-DNA position 93, G replaced by A.
Protein change: p.Leu31=; no amino-acid change (leucine 31 retained).
Molecular consequence: synonymous variant (on NM_000077.6). On other transcripts: intron variant (2).
Genome position (GRCh38, 1-based): chr9:21,974,735, C>T on the plus strand (G>A on the coding strand, the complement: CDKN2A is on the minus strand). VCF-style: chr9-21974735-C-T. GRCh37 (hg19) VCF-style: chr9-21974734-C-T.
Other names: c.93G>A, p.Leu31= (NM_000077.6, NM_001195132.2, NM_058197.5); c.-3-3527G>A (NM_001363763.2); c.194-3527G>A (NM_058195.4).
Identifiers: ClinVar variation 3643135 (VCV003643135.3).